The following is an entry in ClinVar:

ClinVar aggregate classification (germline): Uncertain significance. Review status: criteria provided, single submitter (1 of 4 stars). 2 submissions from 2 submitters: Uncertain significance (1). 1 of the submissions does not count toward it. Last evaluated 2022-01-25.

Conditions:
Familial hypocalciuric hypercalcemia 1. Also called: Hypercalcemia, familial benign type 1. Identifiers: Orphanet 405, Orphanet 93372, MedGen C0342637, MONDO:0007791, OMIM 145980.
Nephrolithiasis/nephrocalcinosis. Identifiers: MedGen CN580796.

Submissions (2):

Ambry Genetics
Classification: Uncertain significance for Nephrolithiasis/nephrocalcinosis. Last evaluated: 2022-01-25. Review status: criteria provided, single submitter. Criteria: Ambry Variant Classification Scheme 2023. Collection method: clinical testing. Allele origin: germline.
Comment: The p.L13P variant (also known as c.38T>C), located in coding exon 1 of the CASR gene, results from a T to C substitution at nucleotide position 38. The leucine at codon 13 is replaced by proline, an amino acid with similar properties. This alteration also showed reduced response to extracellular calcium in three independent studies (Miyashiro K et al. J Clin Endocrinol Metab, 2004 Dec;89:5936-41; Pidasheva S et al. Hum Mol Genet, 2005 Jun;14:1679-90; Lu JY et al. J Pharmacol Exp Ther, 2009 Dec;331:775-86). This amino acid position is not well conserved in available vertebrate species. In addition, this alteration is predicted to be deleterious by in silico analysis. Since supporting evidence is limited at this time, the clinical significance of this alteration remains unclear.

OMIM
Classification: Pathogenic for HYPOCALCIURIC HYPERCALCEMIA, FAMILIAL, TYPE I. Last evaluated: 2005-06-15. Review status: no assertion criteria provided. Collection method: literature only. Allele origin: germline. Not counted in ClinVar's aggregate classification.

Literature cited by the submitters: PubMed 15579740 (cited by Ambry Genetics and OMIM); PubMed 15879434 (cited by Ambry Genetics and OMIM); PubMed 19759318 (cited by Ambry Genetics); PubMed 7673400 (cited by OMIM); PubMed 10468915 (cited by OMIM).

NM_000388.4(CASR):c.38T>C (p.Leu13Pro)

Gene: CASR (calcium sensing receptor; plus strand). Cytogenetic location: 3q21.1.
Variant type: single nucleotide variant.
Coding change: c.38T>C on transcript NM_000388.4 (MANE Select); coding-DNA position 38, T replaced by C.
Protein change: p.Leu13Pro; replaces leucine 13 with proline.
Molecular consequence: missense variant.
Genome position (GRCh38, 1-based): chr3:122,254,227, T>C. VCF-style: chr3-122254227-T-C. GRCh37 (hg19) VCF-style: chr3-121973074-T-C.
Other names: c.38T>C, p.Leu13Pro (NM_001178065.2); short protein forms L13P.
Identifiers: ClinVar variation 8353 (VCV000008353.3), dbSNP rs104893717, ClinGen allele CA119539.
Genomic context (GRCh38, chr3:122,254,227, plus strand): 5'-TGCCCTGGAGAGACGGCAGAACCATGGCATTTTATAGCTGCTGCTGGGTCCTCTTGGCAC[T>C]CACCTGGCACACCTCTGCCTACGGGCCAGACCAGCGAGCCCAAAAGAAGGGGGACATTAT-3'
Protein context (NP_000379.3, residues 3-23): FYSCCWVLLA[Leu13Pro]TWHTSAYGPD